The following is an entry in ClinVar:

NM_006231.4(POLE):c.560A>G (p.Tyr187Cys)

Gene: POLE (DNA polymerase epsilon, catalytic subunit; minus strand). Cytogenetic location: 12q24.33.
Variant type: single nucleotide variant.
Coding change: c.560A>G on transcript NM_006231.4 (MANE Select); coding-DNA position 560, A replaced by G.
Protein change: p.Tyr187Cys; replaces tyrosine 187 with cysteine.
Molecular consequence: missense variant.
Genome position (GRCh38, 1-based): chr12:132,679,515, T>C on the plus strand (A>G on the coding strand, the complement: POLE is on the minus strand). VCF-style: chr12-132679515-T-C. GRCh37 (hg19) VCF-style: chr12-133256101-T-C.
Other names: short protein forms Y187C.
Identifiers: ClinVar variation 1012108 (VCV001012108.10), dbSNP rs2043122011, ClinGen allele CA387366707.

ClinVar aggregate classification (germline): Uncertain significance. Review status: criteria provided, multiple submitters, no conflicts (2 of 4 stars). 2 submissions from 2 submitters: Uncertain significance (2). Last evaluated 2024-01-23.

Conditions:
Hereditary cancer. Identifiers: MedGen C1333600.

Submissions (2):

Mendelics
Classification: Uncertain significance for Hereditary cancer. Last evaluated: 2024-01-23. Review status: criteria provided, single submitter. Criteria: ACMG Guidelines, 2015. Collection method: clinical testing. Allele origin: unknown.

Labcorp Genetics (formerly Invitae), Labcorp
Classification: Uncertain significance. Last evaluated: 2023-01-05. Review status: criteria provided, single submitter. Criteria: Invitae Variant Classification Sherloc (09022015). Collection method: clinical testing. Allele origin: germline.
Comment: In summary, the available evidence is currently insufficient to determine the role of this variant in disease. Therefore, it has been classified as a Variant of Uncertain Significance. Advanced modeling of protein sequence and biophysical properties (such as structural, functional, and spatial information, amino acid conservation, physicochemical variation, residue mobility, and thermodynamic stability) performed at Invitae indicates that this missense variant is expected to disrupt POLE protein function. ClinVar contains an entry for this variant (Variation ID: 1012108). This variant has not been reported in the literature in individuals affected with POLE-related conditions. This variant is not present in population databases (gnomAD no frequency). This sequence change replaces tyrosine, which is neutral and polar, with cysteine, which is neutral and slightly polar, at codon 187 of the POLE protein (p.Tyr187Cys).